The following is an entry in ClinVar:

ClinVar aggregate classification (germline): Uncertain significance (1 of 4 stars; one submission).

Submission:

Labcorp Genetics (formerly Invitae), Labcorp
Classification: Uncertain significance. Last evaluated: 2025-02-12. Review status: criteria provided, single submitter. Criteria: Invitae Variant Classification Sherloc (09022015). Collection method: clinical testing. Allele origin: germline.
Comment: This sequence change replaces methionine, which is neutral and non-polar, with threonine, which is neutral and polar, at codon 944 of the KCNH1 protein (p.Met944Thr). This variant is not present in population databases (gnomAD no frequency). This variant has not been reported in the literature in individuals affected with KCNH1-related conditions. Invitae Evidence Modeling of protein sequence and biophysical properties (such as structural, functional, and spatial information, amino acid conservation, physicochemical variation, residue mobility, and thermodynamic stability) has been performed for this missense variant. However, the output from this modeling did not meet the statistical confidence thresholds required to predict the impact of this variant on KCNH1 protein function. In summary, the available evidence is currently insufficient to determine the role of this variant in disease. Therefore, it has been classified as a Variant of Uncertain Significance.

NM_172362.3(KCNH1):c.2831T>C (p.Met944Thr)

Gene: KCNH1 (potassium voltage-gated channel subfamily H member 1; minus strand). Cytogenetic location: 1q32.2.
Variant type: single nucleotide variant.
Coding change: c.2831T>C on transcript NM_172362.3 (MANE Select); coding-DNA position 2831, T replaced by C.
Protein change: p.Met944Thr; replaces methionine 944 with threonine.
Molecular consequence: missense variant.
Genome position (GRCh38, 1-based): chr1:210,683,420, A>G on the plus strand (T>C on the coding strand, the complement: KCNH1 is on the minus strand). VCF-style: chr1-210683420-A-G. GRCh37 (hg19) VCF-style: chr1-210856762-A-G.
Other names: c.2750T>C, p.Met917Thr (NM_002238.4); short protein forms M944T, M917T.
Identifiers: ClinVar variation 4768108 (VCV004768108.1).